The following is an entry in ClinVar:

NM_007294.4(BRCA1):c.5194-1G>T

Gene: BRCA1 (BRCA1 DNA repair associated; minus strand). Cytogenetic location: 17q21.31.
Variant type: single nucleotide variant.
Coding change: c.5194-1G>T on transcript NM_007294.4 (MANE Select); the canonical splice acceptor site of the intron before coding-DNA position 5194, G replaced by T.
Molecular consequence: splice acceptor variant.
Genome position (GRCh38, 1-based): chr17:43,057,136, C>A on the plus strand (G>T on the coding strand, the complement: BRCA1 is on the minus strand). VCF-style: chr17-43057136-C-A. GRCh37 (hg19) VCF-style: chr17-41209153-C-A.
Other names: c.5050-1G>T (NM_001407747.1, NM_001407745.1, NM_001407737.1 and 21 more transcripts); c.4810-1G>T (NM_001407962.1, NM_001407960.1); c.1381-1G>T (NM_001408512.1); c.1504-1G>T (NM_001408510.1); c.4984-1G>T (NM_001407885.1, NM_001407886.1, NM_001407881.1 and 5 more transcripts); c.1738-1G>T (NM_001408470.1, NM_001408469.1, NM_001408468.1); c.5047-1G>T (NM_001407848.1, NM_001407839.1, NM_001407838.1 and 12 more transcripts); c.1885-1G>T (NM_001407978.1, NM_001407976.1, NM_001407977.1 and 3 more transcripts); and 72 more.
Identifiers: ClinVar variation 267585 (VCV000267585.13), dbSNP rs80358173, ClinGen allele CA10591148.

ClinVar aggregate classification (germline): Pathogenic. Review status: criteria provided, multiple submitters, no conflicts (2 of 4 stars). 4 submissions from 4 submitters: Pathogenic (4). Last evaluated 2024-08-26.

Conditions:
Hereditary cancer-predisposing syndrome. Also called: Hereditary Cancer Syndrome; Neoplastic Syndromes, Hereditary; Hereditary neoplastic syndrome; Tumor predisposition. Identifiers: Orphanet 140162, MedGen C0027672, MeSH D009386, MONDO:0015356.
Breast-ovarian cancer, familial, susceptibility to, 1 (BROVCA1). Also called: BRCA1 Hereditary Breast and Ovarian Cancer; OVARIAN CANCER, SUSCEPTIBILITY TO. Identifiers: Orphanet 145, MedGen C2676676, MONDO:0011450, OMIM 604370. Disease mechanism: loss of function.

Submissions (5):

GeneDx
Classification: Pathogenic. Last evaluated: 2024-08-26. Review status: criteria provided, single submitter. Criteria: GeneDx Variant Classification Process June 2021. Collection method: clinical testing. Allele origin: germline. Affected: yes.
Comment: Canonical splice site variant demonstrated to result in aberrant splicing, resulting in a shortened protein or null allele in a gene for which loss of function is a known mechanism of disease (PMID: 23239986); Observed in a patient with a personal and family history of breast cancer (PMID: 23239986); Published functional studies demonstrate a damaging effect: variant classified as non-functional based on a saturation genome editing (SGE) assay measuring cell survival (PMID: 30209399); Truncating variants in this gene are considered pathogenic by a well-established clinical consortium and/or database; Not observed at significant frequency in large population cohorts (gnomAD); Also known as 5313-1G>T; This variant is associated with the following publications: (PMID: 29446198, 25348405, 30209399, 23239986)

Ambry Genetics
Classification: Pathogenic for Hereditary cancer-predisposing syndrome. Last evaluated: 2023-04-20. Review status: criteria provided, single submitter. Criteria: Ambry Variant Classification Scheme 2023. Collection method: clinical testing. Allele origin: germline.
Comment: The c.5194-1G>T intronic pathogenic mutation results from a G to T substitution one nucleotide upstream from coding exon 18 of the BRCA1 gene. RNA studies have shown that this alteration results in skipping of coding exon 18 (also called exon 20 in the literature) as well as a partial exon skipping event within the same exon (Ambry internal data; Wappenschmidt B et al. PLoS ONE, 2012 Dec;7:e50800). This nucleotide substitution is deleterious in a high throughput genome editing haploid cell survival assay (Findlay GM et al. Nature, 2018 10;562:217-222). In silico splice site analysis predicts that this alteration will weaken the native splice acceptor site and will result in the creation or strengthening of a novel splice acceptor site. Alterations that disrupt the canonical splice site are expected to cause aberrant splicing, resulting in an abnormal protein or a transcript that is subject to nonsense-mediated mRNA decay. Based on the majority of available evidence to-date, this alteration is interpreted as a disease-causing mutation.

Quest Diagnostics Nichols Institute San Juan Capistrano
Classification: Pathogenic. Last evaluated: 2018-05-22. Review status: criteria provided, single submitter. Criteria: Quest Diagnostics criteria. Collection method: clinical testing. Allele origin: unknown.
Comment: This variant has been reported as being likely pathogenic or a variant with unknown effect in families affected with breast cancer in the published literature (PMID: 23239986 (2012) and 29446198 (2018)). A study investigating the effect of this variant in an affected individual found that two deleterious transcripts were produced (PMID: 23239986 (2012)). Based on the available information, this variant is classified as pathogenic.

Consortium of Investigators of Modifiers of BRCA1/2 (CIMBA), c/o University of Cambridge
Classification: Pathogenic for Breast-ovarian cancer, familial, susceptibility to, 1. Last evaluated: 2015-10-02. Review status: criteria provided, single submitter. Criteria: CIMBA Mutation Classification guidelines May 2016. Collection method: clinical testing. Allele origin: germline.

Brotman Baty Institute, University of Washington
No classification provided (evidence only). Condition: Breast-ovarian cancer, familial 1. Review status: no classification provided. Collection method: in vitro. Allele origin: not applicable. Functional consequence: functionally_abnormal. Not counted in ClinVar's aggregate classification.
ClinVar note: "not provided" was previously submitted as the classification for the variant. However, the classification appeared to be based only on an observation of functional data so it was converted to no classification on 2025-07-30.

Literature cited by the submitters: PubMed 23239986 (cited by Ambry Genetics and Quest Diagnostics Nichols Institute San Juan Capistrano); PubMed 30209399 (cited by Ambry Genetics and Quest Diagnostics Nichols Institute San Juan Capistrano); PubMed 29446198 (cited by Quest Diagnostics Nichols Institute San Juan Capistrano).